The following is an entry in ClinVar:

NM_000540.3(RYR1):c.2882G>A (p.Ser961Asn)

Gene: RYR1 (ryanodine receptor 1; plus strand). Cytogenetic location: 19q13.2.
Variant type: single nucleotide variant.
Coding change: c.2882G>A on transcript NM_000540.3 (MANE Select); coding-DNA position 2882, G replaced by A.
Protein change: p.Ser961Asn; replaces serine 961 with asparagine.
Molecular consequence: missense variant.
Genome position (GRCh38, 1-based): chr19:38,466,102, G>A. VCF-style: chr19-38466102-G-A. GRCh37 (hg19) VCF-style: chr19-38956742-G-A.
Other names: c.2882G>A, p.Ser961Asn (NM_001042723.2); short protein forms S961N.
Identifiers: ClinVar variation 3072201 (VCV003072201.1), dbSNP rs1448424607, ClinGen allele CA405634636.

ClinVar aggregate classification (germline): Uncertain significance (1 of 4 stars; one submission).

Conditions:
Malignant hyperthermia, susceptibility to, 1 (MHS1). Also called: Anesthesia related hyperthermia; Malignant hyperpyrexia; Fulminating hyperpyrexia; Pharmacogenic myopathy; RYR1-Related Malignant Hyperthermia Susceptibility; Malignant hyperthermia suceptibility 1. Identifiers: Orphanet 423, MedGen C2930980, MONDO:0007783, OMIM 145600.

Allele frequency attached by ClinVar (database versions not stated): gnomAD exomes below 0.00001.
gnomAD v4.1: 4 of 1,610,468 alleles (0.00025%); highest among the groups gnomAD compares: Non-Finnish European, 0.00017%; no homozygotes.

Submission:

All of Us Research Program, National Institutes of Health
Classification: Uncertain significance for Malignant hyperthermia, susceptibility to, 1. Last evaluated: 2023-07-10. Review status: criteria provided, single submitter. Criteria: ACMG Guidelines, 2015. Collection method: clinical testing. Allele origin: germline. Inheritance: Autosomal dominant inheritance. Observed: 1 variant allele, 1 heterozygote.
Comment: This missense variant replaces serine with asparagine at codon 961 of the RYR1 protein. Computational prediction suggests that this variant may not impact protein structure and function (internally defined REVEL score threshold <= 0.5, PMID: 27666373). To our knowledge, functional studies have not been reported for this variant. This variant has not been reported in individuals affected with RYR1-related disorders in the literature. This variant has been identified in 1/239684 chromosomes in the general population by the Genome Aggregation Database (gnomAD). The available evidence is insufficient to determine the role of this variant in disease conclusively. Therefore, this variant is classified as a Variant of Uncertain Significance.

This study involves interpretation of variants in research participants for the purpose of population health screening. Participant phenotype was not available at the time of variant classification. Additional details can be found in publication PMID: 35346344, PMCID: PMC8962531